The following is an entry in ClinVar:

ClinVar aggregate classification (germline): Likely benign. Review status: criteria provided, multiple submitters, no conflicts (2 of 4 stars). 2 submissions from 2 submitters: Likely benign (2). Last evaluated 2025-08-31.

Conditions:
Melnick-Needles syndrome (MNS). Also called: MELNICK-NEEDLES OSTEODYSPLASTY; Melnick-Needles Syndrome (FLNA-MNS); OSTEODYSPLASTY OF MELNICK AND NEEDLES. Identifiers: Orphanet 2484, MedGen C0025237, MONDO:0010650, OMIM 309350.
Frontometaphyseal dysplasia (FMD1). Identifiers: Orphanet 1826, MedGen C0265293, MONDO:0015942.
Heterotopia, periventricular, X-linked dominant (PVNH1). Also called: PERIVENTRICULAR NODULAR HETEROTOPIA 4; HETEROTOPIA, PERIVENTRICULAR, 1; PERIVENTRICULAR NODULAR HETEROTOPIA 1; X-linked periventricular heterotopia. Identifiers: Orphanet 2149, Orphanet 82004, MedGen C1848213, MONDO:0010233, OMIM 300049.
Oto-palato-digital syndrome, type II (OPD2). Also called: Otopalatodigital Syndrome Type 2 (FLNA-OPD2); FACIOPALATOOSSEOUS SYNDROME; OPD II SYNDROME; Otopalatodigital Syndrome, Type II. Identifiers: Orphanet 669, Orphanet 90652, MedGen C1844696, MONDO:0010571, OMIM 304120.

Allele frequency attached by ClinVar (database versions not stated): gnomAD exomes below 0.00001; gnomAD 0.00001; TOPMed 0.00001.

Submissions (2):

Labcorp Genetics (formerly Invitae), Labcorp
Classification: Likely benign for Oto-palato-digital syndrome, type II; Heterotopia, periventricular, X-linked dominant; Frontometaphyseal dysplasia; Melnick-Needles syndrome. Last evaluated: 2025-08-31. Review status: criteria provided, single submitter. Criteria: Invitae Variant Classification Sherloc (09022015). Collection method: clinical testing. Allele origin: germline.

GeneDx
Classification: Likely benign. Last evaluated: 2017-01-25. Review status: criteria provided, single submitter. Criteria: GeneDx Variant Classification (06012015). Collection method: clinical testing. Allele origin: germline. Affected: yes.
Comment: This variant is considered likely benign or benign based on one or more of the following criteria: it is a conservative change, it occurs at a poorly conserved position in the protein, it is predicted to be benign by multiple in silico algorithms, and/or has population frequency not consistent with disease.

NM_001110556.2(FLNA):c.7156+20_7156+37del

Gene: FLNA (filamin A; minus strand). Cytogenetic location: Xq28.
Variant type: Deletion.
Coding change: c.7156+20_7156+37del on transcript NM_001110556.2 (MANE Select); bases 20 to 37 of the intron after coding-DNA position 7156, 18 bases deleted (CGGCCGCCCTGCCCTGCT).
Molecular consequence: intron variant.
Genome position (GRCh38, 1-based): chrX:154,350,872-154,350,889, AGCAGGGCAGGGCGGCCG deleted on the plus strand (CGGCCGCCCTGCCCTGCT on the coding strand, the reverse complement: FLNA is on the minus strand). VCF-style (leftmost placement, unchanged base first): chrX-154350871-CAGCAGGGCAGGGCGGCCG-C. GRCh37 (hg19) VCF-style: chrX-153579239-CAGCAGGGCAGGGCGGCCG-C.
Other names: c.7132+20_7132+37del (NM_001456.4); c.7132+20_7132+37del18 (NM_001456.3).
Identifiers: ClinVar variation 506998 (VCV000506998.9), dbSNP rs1557175582, ClinGen allele CA658799917.